The following is an entry in ClinVar:

ClinVar aggregate classification (germline): Uncertain significance (1 of 4 stars; one submission).

Submission:

Labcorp Genetics (formerly Invitae), Labcorp
Classification: Uncertain significance. Last evaluated: 2023-03-14. Review status: criteria provided, single submitter. Criteria: Invitae Variant Classification Sherloc (09022015). Collection method: clinical testing. Allele origin: germline.
Comment: In summary, the available evidence is currently insufficient to determine the role of this variant in disease. Therefore, it has been classified as a Variant of Uncertain Significance. Experimental studies and prediction algorithms are not available or were not evaluated, and the functional significance of this variant is currently unknown. This variant has not been reported in the literature in individuals affected with SLC2A9-related conditions. This variant is a gross deletion of the genomic region encompassing exon(s) 9-12 of the SLC2A9 gene, which includes the termination codon. This deletion extends beyond the assayed region for this gene and therefore may encompass additional genes. While this deletion is not anticipated to lead to nonsense mediated decay, it is expected to alter mRNA translation or result in a truncated protein product.

NC_000004.11:g.(?_9828021)_(9892355_?)del

Gene: SLC2A9 (solute carrier family 2 member 9; minus strand). Cytogenetic location: 4p16.1.
Variant type: Deletion.
Identifiers: ClinVar variation 2426517 (VCV002426517.4).